The following is an entry in ClinVar:

NM_006267.5(RANBP2):c.7462G>A (p.Val2488Ile)

Gene: RANBP2 (RAN binding protein 2; plus strand). Cytogenetic location: 2q13.
Variant type: single nucleotide variant.
Coding change: c.7462G>A on transcript NM_006267.5 (MANE Select); coding-DNA position 7462, G replaced by A.
Protein change: p.Val2488Ile; replaces valine 2488 with isoleucine.
Molecular consequence: missense variant.
Genome position (GRCh38, 1-based): chr2:108,768,001, G>A. VCF-style: chr2-108768001-G-A. GRCh37 (hg19) VCF-style: chr2-109384457-G-A.
Other names: short protein forms V2488I.
Identifiers: ClinVar variation 1016910 (VCV001016910.9), dbSNP rs760616302, ClinGen allele CA1823593.

ClinVar aggregate classification (germline): Uncertain significance (1 of 4 stars; one submission).

Conditions:
Familial acute necrotizing encephalopathy (IIAE3). Also called: ENCEPHALOPATHY, ACUTE, INFECTION-INDUCED, SUSCEPTIBILITY TO, 3; Susceptibility to Acute Necrotizing Encephalopathy 1. Identifiers: Orphanet 88619, MedGen C2675556, MONDO:0011953, OMIM 608033.

Allele frequency attached by ClinVar (database versions not stated): ExAC 0.00001; gnomAD exomes 0.00001 and 0.00002; TOPMed 0.00001.
gnomAD v4.1: 30 of 1,612,050 alleles (0.0019%); highest among the groups gnomAD compares: Non-Finnish European, 0.0021%; no homozygotes.

Submission:

Labcorp Genetics (formerly Invitae), Labcorp
Classification: Uncertain significance for Familial acute necrotizing encephalopathy. Last evaluated: 2020-10-20. Review status: criteria provided, single submitter. Criteria: Invitae Variant Classification Sherloc (09022015). Collection method: clinical testing. Allele origin: germline.
Comment: In summary, the available evidence is currently insufficient to determine the role of this variant in disease. Therefore, it has been classified as a Variant of Uncertain Significance. Algorithms developed to predict the effect of missense changes on protein structure and function output the following: SIFT: "Tolerated"; PolyPhen-2: "Benign"; Align-GVGD: "Class C0". The isoleucine amino acid residue is found in multiple mammalian species, suggesting that this missense change does not adversely affect protein function. These predictions have not been confirmed by published functional studies and their clinical significance is uncertain. This variant has not been reported in the literature in individuals with RANBP2-related conditions. This variant is present in population databases (rs760616302, ExAC 0.002%). This sequence change replaces valine with isoleucine at codon 2488 of the RANBP2 protein (p.Val2488Ile). The valine residue is highly conserved and there is a small physicochemical difference between valine and isoleucine.